The following is an entry in ClinVar:

NM_001393586.1(MYO7B):c.2088G>T (p.Thr696=)

Gene: MYO7B (myosin VIIB; plus strand). Cytogenetic location: 2q14.3.
Variant type: single nucleotide variant.
Coding change: c.2088G>T on transcript NM_001393586.1 (MANE Select); coding-DNA position 2088, G replaced by T.
Protein change: p.Thr696=; no amino-acid change (threonine 696 retained).
Molecular consequence: synonymous variant.
Genome position (GRCh38, 1-based): chr2:127,592,889, G>T. VCF-style: chr2-127592889-G-T. GRCh37 (hg19) VCF-style: chr2-128350464-G-T.
Other names: c.2088G>T, p.Thr696= (NM_001080527.2).
Identifiers: ClinVar variation 3042937 (VCV003042937.2), dbSNP rs115012061, ClinGen allele CA1860996.

ClinVar aggregate classification (germline): Benign (0 of 4 stars; one submission).

Conditions:
MYO7B-related disorder. Also called: MYO7B-related condition.

Allele frequency attached by ClinVar (database versions not stated): ExAC 0.00118; 1000 Genomes Project 0.00220; 1000 Genomes Project 30x 0.00234; gnomAD 0.00354; ESP Exome Variant Server 0.00365; TOPMed 0.00403.
gnomAD v4.1: 1,095 of 1,608,750 alleles (0.068%); highest among the groups gnomAD compares: African/African-American, 1.2%; 4 homozygotes.

Submission:

PreventionGenetics, part of Exact Sciences
Classification: Benign for MYO7B-related condition. Last evaluated: 2019-06-19. Review status: no assertion criteria provided. Collection method: clinical testing. Allele origin: germline.
Comment: This variant is classified as benign based on ACMG/AMP sequence variant interpretation guidelines (Richards et al. 2015 PMID: 25741868, with internal and published modifications).